The following is an entry in ClinVar:

ClinVar aggregate classification (germline): Conflicting classifications of pathogenicity. Review status: criteria provided, conflicting classifications (1 of 4 stars). 10 submissions from 10 submitters: Uncertain significance (2); Benign (3); Likely benign (4). 1 of the submissions does not count toward it. Last evaluated 2026-04-01.

Conditions:
Early-infantile DEE. Also called: Early infantile epileptic encephalopathy; Early infantile epileptic encephalopathy with suppression bursts; Ohtahara syndrome. Identifiers: Orphanet 1934, MedGen C0393706, MONDO:0800491.
SCN1A-related disorder. Also called: SCN1A-related conditions; SCN1A-related condition; SCN1A-related disorders.
Inborn genetic diseases. Identifiers: MedGen C0950123, MeSH D030342.
Migraine, familial hemiplegic, 3. Identifiers: Orphanet 569, MedGen C1864987, MONDO:0012320, OMIM 609634.
Severe myoclonic epilepsy in infancy (DRVT). Also called: Dravet syndrome; Epileptic encephalopathy, early infantile, 6 (Dravet syndrome); SEVERE MYOCLONIC EPILEPSY OF INFANCY; DEVELOPMENTAL AND EPILEPTIC ENCEPHALOPATHY 6A; Severe Myoclonic Epilepsy in Infancy (SMEI). Identifiers: Orphanet 33069, MedGen C0751122, MONDO:0100135, OMIM 607208.
Generalized epilepsy with febrile seizures plus, type 2 (GEFSP2). Also called: GEFS+, TYPE 2. Identifiers: Orphanet 36387, MedGen C1858673, MONDO:0011461, OMIM 604403.

Allele frequency attached by ClinVar (database versions not stated): gnomAD 0.00006; ESP Exome Variant Server 0.00008; TOPMed 0.00013; gnomAD exomes 0.00022 and 0.00038; ExAC 0.00040.
gnomAD v4.1: 355 of 1,612,696 alleles (0.022%); highest among the groups gnomAD compares: South Asian, 0.18%; 3 homozygotes.

Submissions (20):

CeGaT Center for Human Genetics Tuebingen
Classification: Likely benign. Last evaluated: 2026-04-01. Review status: criteria provided, single submitter. Criteria: CeGaT Center For Human Genetics Tuebingen Variant Classification Criteria Version 2. Collection method: clinical testing. Allele origin: germline. Affected: yes. Observed: 5 variant alleles.
Comment: SCN1A: BP4, BS1

Women's Health and Genetics/Laboratory Corporation of America, LabCorp
Classification: Likely benign. Last evaluated: 2026-02-02. Review status: criteria provided, single submitter. Criteria: LabCorp Variant Classification Summary - May 2015. Collection method: clinical testing. Allele origin: germline.

Labcorp Genetics (formerly Invitae), Labcorp
Classification: Likely benign for Early-infantile DEE. Last evaluated: 2026-01-27. Review status: criteria provided, single submitter. Criteria: Invitae Variant Classification Sherloc (09022015). Collection method: clinical testing. Allele origin: germline.

Blueprint Genetics
Classification: Likely benign. Last evaluated: 2024-11-05. Review status: criteria provided, single submitter. Criteria: ACMG Guidelines, 2015. Collection method: clinical testing. Allele origin: germline.

GeneDx
Classification: Benign. Last evaluated: 2021-08-02. Review status: criteria provided, single submitter. Criteria: GeneDx Variant Classification Process June 2021. Collection method: clinical testing. Allele origin: germline. Affected: yes.
Comment: See Variant Classification Assertion Criteria.

Ambry Genetics
Classification: Benign for Inborn genetic diseases. Last evaluated: 2019-06-28. Review status: criteria provided, single submitter. Criteria: Ambry Variant Classification Scheme 2023. Collection method: clinical testing. Allele origin: germline.

Fulgent Genetics
Classification: Uncertain significance for Generalized epilepsy with febrile seizures plus, type 2; Severe myoclonic epilepsy in infancy; Migraine, familial hemiplegic, 3. Last evaluated: 2017-05-23. Review status: criteria provided, single submitter. Criteria: ACMG Guidelines, 2015. Collection method: clinical testing. Allele origin: unknown.

Illumina Laboratory Services, Illumina
Classification: Benign for SCN1A-Related Disorders. Last evaluated: 2017-04-28. Review status: criteria provided, single submitter. Criteria: ICSL Variant Classification Criteria 13 December 2019. Collection method: clinical testing. Allele origin: germline.
Comment: This variant was observed as part of a predisposition screen in an ostensibly healthy population. A literature search was performed for the gene, cDNA change, and amino acid change (where applicable). Publications were found based on this search. The evidence from the literature, in combination with allele frequency data from public databases where available, was sufficient to rule this variant out of causing disease. Therefore, this variant is classified as benign.

Eurofins Ntd Llc (ga)
Classification: Uncertain significance. Last evaluated: 2015-04-22. Review status: criteria provided, single submitter. Criteria: EGL Classification Definitions 2015. Collection method: clinical testing. Allele origin: germline. Observed: 1 variant allele, 1 heterozygote.

PreventionGenetics, part of Exact Sciences
Classification: Likely benign for SCN1A-related condition. Last evaluated: 2024-03-29. Review status: no assertion criteria provided. Collection method: clinical testing. Allele origin: germline. Not counted in ClinVar's aggregate classification.
Comment: This variant is classified as likely benign based on ACMG/AMP sequence variant interpretation guidelines (Richards et al. 2015 PMID: 25741868, with internal and published modifications).

Channelopathy-Associated Epilepsy Research Center
No classification provided (evidence only). Review status: no classification provided. Collection method: in vitro. Allele origin: not applicable. Functional consequence: Decrease in peak current. Not counted in ClinVar's aggregate classification.

Channelopathy-Associated Epilepsy Research Center
No classification provided (evidence only). Review status: no classification provided. Collection method: in vitro. Allele origin: not applicable. Functional consequence: Normal voltage dependence of activation. Not counted in ClinVar's aggregate classification.

Channelopathy-Associated Epilepsy Research Center
No classification provided (evidence only). Review status: no classification provided. Collection method: in vitro. Allele origin: not applicable. Functional consequence: Decrease in slope of activation. Not counted in ClinVar's aggregate classification.

Channelopathy-Associated Epilepsy Research Center
No classification provided (evidence only). Review status: no classification provided. Collection method: in vitro. Allele origin: not applicable. Functional consequence: Hyperpolarizing shift of voltage dependence of fast inactivation. Not counted in ClinVar's aggregate classification.

Channelopathy-Associated Epilepsy Research Center
No classification provided (evidence only). Review status: no classification provided. Collection method: in vitro. Allele origin: not applicable. Functional consequence: Normal slope of fast inactivation. Not counted in ClinVar's aggregate classification.

Channelopathy-Associated Epilepsy Research Center
No classification provided (evidence only). Review status: no classification provided. Collection method: in vitro. Allele origin: not applicable. Functional consequence: Normal rate of recovery from fast inactivation. Not counted in ClinVar's aggregate classification.

Channelopathy-Associated Epilepsy Research Center
No classification provided (evidence only). Review status: no classification provided. Collection method: in vitro. Allele origin: not applicable. Functional consequence: Normal current amplitude in use dependence. Not counted in ClinVar's aggregate classification.

Channelopathy-Associated Epilepsy Research Center
No classification provided (evidence only). Review status: no classification provided. Collection method: in vitro. Allele origin: not applicable. Functional consequence: Normal fast inactivation. Not counted in ClinVar's aggregate classification.

Channelopathy-Associated Epilepsy Research Center
No classification provided (evidence only). Review status: no classification provided. Collection method: in vitro. Allele origin: not applicable. Functional consequence: Normal ramp current. Not counted in ClinVar's aggregate classification.

Channelopathy-Associated Epilepsy Research Center
No classification provided (evidence only). Review status: no classification provided. Collection method: in vitro. Allele origin: not applicable. Functional consequence: Decrease in persistent current. Not counted in ClinVar's aggregate classification.

Literature cited by the submitters: PubMed 11254445 (cited by Illumina Laboratory Services, Illumina).

NM_001165963.4(SCN1A):c.3481G>A (p.Ala1161Thr)

Genes: SCN1A (sodium voltage-gated channel alpha subunit 1; minus strand), LOC102724058 (uncharacterized LOC102724058; plus strand). Cytogenetic location: 2q24.3.
Variant type: single nucleotide variant.
Coding change: c.3481G>A on transcript NM_001165963.4 (MANE Select); coding-DNA position 3481, G replaced by A.
Protein change: p.Ala1161Thr; replaces alanine 1161 with threonine.
Molecular consequence: missense variant. On other transcripts: non-coding transcript variant (2).
Genome position (GRCh38, 1-based): chr2:166,015,676, C>T on the plus strand (G>A on the coding strand, the complement: SCN1A is on the minus strand). VCF-style: chr2-166015676-C-T. GRCh37 (hg19) VCF-style: chr2-166872186-C-T.
Other names: p.A1161T:GCA>ACA; c.3397G>A, p.Ala1133Thr (NM_001165964.3, NM_001353957.2, NM_001353958.2); c.3481G>A, p.Ala1161Thr (NM_001202435.3, NM_001353948.2); c.3448G>A, p.Ala1150Thr (NM_001353949.2, NM_001353950.2, NM_001353951.2 and 2 more transcripts); c.3445G>A, p.Ala1149Thr (NM_001353954.2, NM_001353955.2); c.3394G>A, p.Ala1132Thr (NM_001353960.2); c.1039G>A, p.Ala347Thr (NM_001353961.2); c.3481G>A (NM_001202435.1); short protein forms A1150T, A1161T, A1133T, A1132T, A1149T, A347T.
Identifiers: ClinVar variation 194721 (VCV000194721.54), dbSNP rs201079458, ClinGen allele CA240854.